The following is an entry in ClinVar:

NM_000308.4(CTSA):c.191A>C (p.Tyr64Ser)

Gene: CTSA (cathepsin A; plus strand). Cytogenetic location: 20q13.12.
Variant type: single nucleotide variant.
Coding change: c.191A>C on transcript NM_000308.4 (MANE Select); coding-DNA position 191, A replaced by C.
Protein change: p.Tyr64Ser; replaces tyrosine 64 with serine.
Molecular consequence: missense variant. On other transcripts: non-coding transcript variant (1).
Genome position (GRCh38, 1-based): chr20:45,891,759, A>C. VCF-style: chr20-45891759-A-C. GRCh37 (hg19) VCF-style: chr20-44520398-A-C.
Other names: c.191A>C, p.Tyr64Ser (NM_001127695.3, NM_001167594.3); short protein forms Y64S.
Identifiers: ClinVar variation 2025239 (VCV002025239.4), dbSNP rs201198067, ClinGen allele CA409248374.

ClinVar aggregate classification (germline): Uncertain significance (1 of 4 stars; one submission).

Conditions:
Combined deficiency of sialidase AND beta galactosidase (GSL). Also called: NEURAMINIDASE DEFICIENCY WITH BETA-GALACTOSIDASE DEFICIENCY; NEURAMINIDASE/BETA-GALACTOSIDASE EXPRESSION; PPCA DEFICIENCY; PROTECTIVE PROTEIN/CATHEPSIN A DEFICIENCY; Galactosialidosis; GOLDBERG SYNDROME. Identifiers: Orphanet 351, MedGen C0268233, MONDO:0009737, OMIM 256540.

Submission:

Labcorp Genetics (formerly Invitae), Labcorp
Classification: Uncertain significance for Combined deficiency of sialidase AND beta galactosidase. Last evaluated: 2021-12-16. Review status: criteria provided, single submitter. Criteria: Invitae Variant Classification Sherloc (09022015). Collection method: clinical testing. Allele origin: germline.
Comment: In summary, the available evidence is currently insufficient to determine the role of this variant in disease. Therefore, it has been classified as a Variant of Uncertain Significance. Algorithms developed to predict the effect of missense changes on protein structure and function are either unavailable or do not agree on the potential impact of this missense change (SIFT: "Not Available"; PolyPhen-2: "Probably Damaging"; Align-GVGD: "Not Available"). This variant has not been reported in the literature in individuals affected with CTSA-related conditions. This variant is not present in population databases (gnomAD no frequency). This sequence change replaces tyrosine, which is neutral and polar, with serine, which is neutral and polar, at codon 82 of the CTSA protein (p.Tyr82Ser).